The following is an entry in ClinVar:

ClinVar aggregate classification (germline): Pathogenic. Review status: criteria provided, single submitter (1 of 4 stars). 2 submissions from 2 submitters: Pathogenic (1). 1 of the submissions does not count toward it. Last evaluated 2022-10-18.

Conditions:
Developmental and epileptic encephalopathy. Identifiers: MedGen C5779964, MONDO:0100620.

Submissions (2):

GeneDx
Classification: Pathogenic. Last evaluated: 2022-10-18. Review status: criteria provided, single submitter. Criteria: GeneDx Variant Classification Process June 2021. Collection method: clinical testing. Allele origin: germline. Affected: yes.
Comment: Not observed at significant frequency in large population cohorts (gnomAD); In silico analysis supports that this missense variant has a deleterious effect on protein structure/function; This variant is associated with the following publications: (PMID: 30343943)

Yale Center for Mendelian Genomics, Yale University
Classification: Likely pathogenic for Developmental and epileptic encephalopathy. Last evaluated: 2018-11-01. Review status: no assertion criteria provided. Collection method: literature only. Allele origin: de novo. Affected: yes. Observed: 1 heterozygote. Study: Yale Center for Mendelian Genomics. Not counted in ClinVar's aggregate classification.

Literature cited by the submitters: PubMed 30343943 (cited by Yale Center for Mendelian Genomics, Yale University).

NM_001205293.3(CACNA1E):c.2098G>A (p.Ala700Thr)

Gene: CACNA1E (calcium voltage-gated channel subunit alpha1 E; plus strand). Cytogenetic location: 1q25.3.
Variant type: single nucleotide variant.
Coding change: c.2098G>A on transcript NM_001205293.3 (MANE Select); coding-DNA position 2098, G replaced by A.
Protein change: p.Ala700Thr; replaces alanine 700 with threonine.
Molecular consequence: missense variant.
Genome position (GRCh38, 1-based): chr1:181,724,493, G>A. VCF-style: chr1-181724493-G-A. GRCh37 (hg19) VCF-style: chr1-181693629-G-A.
Other names: c.2098G>A, p.Ala700Thr (NM_000721.4, NM_001205294.2); short protein forms A700T.
Identifiers: ClinVar variation 1344625 (VCV001344625.3), dbSNP rs2102499747, ClinGen allele CA343628390.